The following is an entry in ClinVar:

ClinVar aggregate classification (germline): Pathogenic/Likely pathogenic. Review status: criteria provided, multiple submitters, no conflicts (2 of 4 stars). 3 submissions from 3 submitters: Pathogenic (1); Likely pathogenic (2). Last evaluated 2022-07-01.

Conditions:
Hereditary spastic paraplegia 11. Also called: SPASTIC PARAPLEGIA, AUTOSOMAL RECESSIVE, COMPLICATED, WITH THIN CORPUS CALLOSUM; SPASTIC PARAPLEGIA, AUTOSOMAL RECESSIVE, WITH MENTAL IMPAIRMENT AND THIN CORPUS CALLOSUM; Spastic paraplegia, mental retardation and thin corpus callosum; Nakamura Osame syndrome; Autosomal recessive hereditary spastic paraplegia, mental impairment, and thin corpus callosum; Spastic Paraplegia 11. Identifiers: Orphanet 2822, MedGen C1858479, MONDO:0011445, OMIM 604360.

Submissions (3):

CeGaT Center for Human Genetics Tuebingen
Classification: Pathogenic. Last evaluated: 2022-07-01. Review status: criteria provided, single submitter. Criteria: CeGaT Center For Human Genetics Tuebingen Variant Classification Criteria Version 2. Collection method: clinical testing. Allele origin: germline. Affected: yes. Observed: 2 variant alleles.
Comment: SPG11: PVS1, PM2, PP4

Broad Center for Mendelian Genomics, Broad Institute of MIT and Harvard
Classification: Likely pathogenic for Hereditary spastic paraplegia 11. Last evaluated: 2018-11-15. Review status: criteria provided, single submitter. Criteria: ACMG Guidelines, 2015. Collection method: research. Allele origin: germline. Inheritance: Autosomal recessive inheritance. Affected: yes.
Comment: This variant was absent from large population studies. Loss of function of the SPG11 gene is an established disease mechanism in autosomal recessive Spastic Paraplegia, and this is a loss of function variant. In summary, the p.Gln2309Ter variant is likely pathogenic.

Genome-Nilou Lab
Classification: Likely pathogenic for Hereditary spastic paraplegia 11. Review status: criteria provided, single submitter. Criteria: ACMG Guidelines, 2015. Collection method: clinical testing. Allele origin: germline.

NM_025137.4(SPG11):c.6925C>T (p.Gln2309Ter)

Gene: SPG11 (SPG11 vesicle trafficking associated, spatacsin; minus strand). Cytogenetic location: 15q21.1.
Variant type: single nucleotide variant.
Coding change: c.6925C>T on transcript NM_025137.4 (MANE Select); coding-DNA position 6925, C replaced by T.
Protein change: p.Gln2309Ter; replaces glutamine 2309 with a stop codon.
Molecular consequence: nonsense.
Genome position (GRCh38, 1-based): chr15:44,565,928, G>A on the plus strand (C>T on the coding strand, the complement: SPG11 is on the minus strand). VCF-style: chr15-44565928-G-A. GRCh37 (hg19) VCF-style: chr15-44858126-G-A.
Other names: c.6586C>T, p.Gln2196Ter (NM_001160227.2); short protein forms Q2196*, Q2309*.
Identifiers: ClinVar variation 800512 (VCV000800512.35), dbSNP rs1595817021, ClinGen allele CA392213175.
Genomic context (GRCh38, chr15:44,565,928, plus strand): 5'-GTAGGGCCAGAATACAGTCCATCAGCTTGTGGCGGCCCAAGTTGATGAGCATTGTGTTCT[G>A]GCCAGTGTTCAGAAAGTGAATCTGCAGAGTTATCAACTTGGTGAGCCGCTGACAGTGCTG-3'